The following is an entry in ClinVar:

ClinVar aggregate classification (germline): Uncertain significance (1 of 4 stars; one submission).

Conditions:
Inborn genetic diseases. Identifiers: MedGen C0950123, MeSH D030342.

Submission:

Ambry Genetics
Classification: Uncertain significance for Inborn genetic diseases. Last evaluated: 2025-05-07. Review status: criteria provided, single submitter. Criteria: Ambry Variant Classification Scheme 2023. Collection method: clinical testing. Allele origin: germline.
Comment: The p.N1443S variant (also known as c.4328A>G), located in coding exon 16 of the FANCM gene, results from an A to G substitution at nucleotide position 4328. The asparagine at codon 1443 is replaced by serine, an amino acid with highly similar properties. This amino acid position is conserved. In addition, this alteration is predicted to be tolerated by in silico analysis. Based on the available evidence, the clinical significance of this variant remains unclear.

NM_020937.4(FANCM):c.4328A>G (p.Asn1443Ser)

Gene: FANCM (FA complementation group M; plus strand). Cytogenetic location: 14q21.2.
Variant type: single nucleotide variant.
Coding change: c.4328A>G on transcript NM_020937.4 (MANE Select); coding-DNA position 4328, A replaced by G.
Protein change: p.Asn1443Ser; replaces asparagine 1443 with serine.
Molecular consequence: missense variant.
Genome position (GRCh38, 1-based): chr14:45,181,647, A>G. VCF-style: chr14-45181647-A-G. GRCh37 (hg19) VCF-style: chr14-45650850-A-G.
Other names: c.4250A>G, p.Asn1417Ser (NM_001308133.2); short protein forms N1443S, N1417S.
Identifiers: ClinVar variation 4022755 (VCV004022755.1).